The following is an entry in ClinVar:

ClinVar aggregate classification (germline): Uncertain significance. Review status: criteria provided, multiple submitters, no conflicts (2 of 4 stars). 6 submissions from 6 submitters: Uncertain significance (6). Last evaluated 2025-10-13.

Conditions:
Hereditary cancer-predisposing syndrome. Also called: Hereditary Cancer Syndrome; Neoplastic Syndromes, Hereditary; Tumor predisposition; Hereditary neoplastic syndrome. Identifiers: Orphanet 140162, MedGen C0027672, MeSH D009386, MONDO:0015356.
Familial cancer of breast. Also called: BREAST CANCER, FAMILIAL; Hereditary breast cancer; hereditary breast carcinoma. Identifiers: Orphanet 227535, MedGen C0346153, MONDO:0016419, OMIM 114480. Disease mechanism: loss of function.

Allele frequency attached by ClinVar (database versions not stated): gnomAD exomes below 0.00001; gnomAD 0.00001; TOPMed 0.00001.
gnomAD v4.1: 3 of 1,613,864 alleles (0.00019%); highest among the groups gnomAD compares: Admixed American, 0.005%; no homozygotes.

Submissions (6):

Ambry Genetics
Classification: Uncertain significance for Hereditary cancer-predisposing syndrome. Last evaluated: 2025-10-13. Review status: criteria provided, single submitter. Criteria: Ambry Variant Classification Scheme 2023. Collection method: clinical testing. Allele origin: germline.
Comment: The p.G574V variant (also known as c.1721G>T), located in coding exon 8 of the BARD1 gene, results from a G to T substitution at nucleotide position 1721. The glycine at codon 574 is replaced by valine, an amino acid with dissimilar properties. This amino acid position is well conserved in available vertebrate species. In addition, the in silico prediction for this alteration is inconclusive. Since supporting evidence is limited at this time, the clinical significance of this alteration remains unclear.

Labcorp Genetics (formerly Invitae), Labcorp
Classification: Uncertain significance for Familial cancer of breast. Last evaluated: 2025-07-30. Review status: criteria provided, single submitter. Criteria: Invitae Variant Classification Sherloc (09022015). Collection method: clinical testing. Allele origin: germline.
Comment: This sequence change replaces glycine, which is neutral and non-polar, with valine, which is neutral and non-polar, at codon 574 of the BARD1 protein (p.Gly574Val). This variant is present in population databases (no rsID available, gnomAD 0.003%). This variant has not been reported in the literature in individuals affected with BARD1-related conditions. ClinVar contains an entry for this variant (Variation ID: 481422). An algorithm developed to predict the effect of missense changes on protein structure and function (PolyPhen-2) suggests that this variant is likely to be disruptive. In summary, the available evidence is currently insufficient to determine the role of this variant in disease. Therefore, it has been classified as a Variant of Uncertain Significance.

Baylor Genetics
Classification: Uncertain significance for Familial cancer of breast. Last evaluated: 2024-01-22. Review status: criteria provided, single submitter. Criteria: ACMG Guidelines, 2015. Collection method: clinical testing. Allele origin: unknown.

Color Diagnostics, LLC DBA Color Health
Classification: Uncertain significance for Hereditary cancer-predisposing syndrome. Last evaluated: 2023-12-05. Review status: criteria provided, single submitter. Criteria: ACMG Guidelines, 2015. Collection method: clinical testing. Allele origin: germline.
Comment: This missense variant replaces glycine with valine at codon 574 of the BARD1 protein. Computational prediction is inconclusive regarding the impact of this variant on protein structure and function (internally defined REVEL score threshold 0.5 < inconclusive < 0.7, PMID: 27666373). To our knowledge, functional studies have not been reported for this variant. This variant has not been reported in individuals affected with BARD1-related disorders in the literature. This variant has been identified in 1/251324 chromosomes in the general population by the Genome Aggregation Database (gnomAD). The available evidence is insufficient to determine the role of this variant in disease conclusively. Therefore, this variant is classified as a Variant of Uncertain Significance.

GeneDx
Classification: Uncertain significance. Last evaluated: 2023-07-06. Review status: criteria provided, single submitter. Criteria: GeneDx Variant Classification Process June 2021. Collection method: clinical testing. Allele origin: germline. Affected: yes.
Comment: Not observed at significant frequency in large population cohorts (gnomAD); In silico analysis supports that this missense variant has a deleterious effect on protein structure/function; Has not been previously published as pathogenic or benign to our knowledge; This variant is associated with the following publications: (PMID: 17550235)

Women's Health and Genetics/Laboratory Corporation of America, LabCorp
Classification: Uncertain significance. Last evaluated: 2022-09-12. Review status: criteria provided, single submitter. Criteria: LabCorp Variant Classification Summary - May 2015. Collection method: clinical testing. Allele origin: germline.

NM_000465.4(BARD1):c.1721G>T (p.Gly574Val)

Gene: BARD1 (BRCA1 associated RING domain 1; minus strand). Cytogenetic location: 2q35.
Variant type: single nucleotide variant.
Coding change: c.1721G>T on transcript NM_000465.4 (MANE Select); coding-DNA position 1721, G replaced by T.
Protein change: p.Gly574Val; replaces glycine 574 with valine.
Molecular consequence: missense variant. On other transcripts: non-coding transcript variant (3), intron variant (1).
Genome position (GRCh38, 1-based): chr2:214,745,811, C>A on the plus strand (G>T on the coding strand, the complement: BARD1 is on the minus strand). VCF-style: chr2-214745811-C-A. GRCh37 (hg19) VCF-style: chr2-215610535-C-A.
Other names: c.1664G>T, p.Gly555Val (NM_001282543.2); c.368G>T, p.Gly123Val (NM_001282545.2); c.311G>T, p.Gly104Val (NM_001282548.2); c.365-15303G>T (NM_001282549.2); short protein forms G574V, G555V, G104V, G123V.
Identifiers: ClinVar variation 481422 (VCV000481422.25), dbSNP rs1218730514, ClinGen allele CA350453145.